The following is an entry in ClinVar:

ClinVar aggregate classification (germline): Uncertain significance (1 of 4 stars; one submission).

Conditions:
Hermansky-Pudlak syndrome 2 (HPS2). Also called: Platelet defects and oculocutaneous albinism. Identifiers: Orphanet 183678, Orphanet 79430, MedGen C1842362, MONDO:0011997, OMIM 608233.

Submission:

Labcorp Genetics (formerly Invitae), Labcorp
Classification: Uncertain significance for Hermansky-Pudlak syndrome 2. Last evaluated: 2021-04-23. Review status: criteria provided, single submitter. Criteria: Invitae Variant Classification Sherloc (09022015). Collection method: clinical testing. Allele origin: germline.
Comment: Algorithms developed to predict the effect of sequence changes on RNA splicing suggest that this variant may create or strengthen a splice site, but this prediction has not been confirmed by published transcriptional studies. In summary, the available evidence is currently insufficient to determine the role of this variant in disease. Therefore, it has been classified as a Variant of Uncertain Significance. Algorithms developed to predict the effect of missense changes on protein structure and function (SIFT, PolyPhen-2, Align-GVGD) all suggest that this variant is likely to be tolerated, but these predictions have not been confirmed by published functional studies and their clinical significance is uncertain. This variant has not been reported in the literature in individuals with AP3B1-related conditions. This variant is not present in population databases (ExAC no frequency). This sequence change replaces alanine with glycine at codon 672 of the AP3B1 protein (p.Ala672Gly). The alanine residue is weakly conserved and there is a small physicochemical difference between alanine and glycine.

NM_003664.5(AP3B1):c.2015C>G (p.Ala672Gly)

Gene: AP3B1 (adaptor related protein complex 3 subunit beta 1; minus strand). Cytogenetic location: 5q14.1.
Variant type: single nucleotide variant.
Coding change: c.2015C>G on transcript NM_003664.5 (MANE Select); coding-DNA position 2015, C replaced by G.
Protein change: p.Ala672Gly; replaces alanine 672 with glycine.
Molecular consequence: missense variant.
Genome position (GRCh38, 1-based): chr5:78,116,188, G>C on the plus strand (C>G on the coding strand, the complement: AP3B1 is on the minus strand). VCF-style: chr5-78116188-G-C. GRCh37 (hg19) VCF-style: chr5-77412012-G-C.
Other names: c.1868C>G, p.Ala623Gly (NM_001271769.2); short protein forms A623G, A672G.
Identifiers: ClinVar variation 1419658 (VCV001419658.8), dbSNP rs2112265444, ClinGen allele CA360185234.